The following is an entry in ClinVar:

NM_001378969.1(KCND3):c.1304C>T (p.Thr435Ile)

Gene: KCND3 (potassium voltage-gated channel subfamily D member 3; minus strand). Cytogenetic location: 1p13.2.
Variant type: single nucleotide variant.
Coding change: c.1304C>T on transcript NM_001378969.1 (MANE Select); coding-DNA position 1304, C replaced by T.
Protein change: p.Thr435Ile; replaces threonine 435 with isoleucine.
Molecular consequence: missense variant.
Genome position (GRCh38, 1-based): chr1:111,780,757, G>A on the plus strand (C>T on the coding strand, the complement: KCND3 is on the minus strand). VCF-style: chr1-111780757-G-A. GRCh37 (hg19) VCF-style: chr1-112323379-G-A.
Other names: c.1304C>T, p.Thr435Ile (NM_001378970.1, NM_004980.5, NM_172198.3); short protein forms T435I.
Identifiers: ClinVar variation 3631274 (VCV003631274.2).

ClinVar aggregate classification (germline): Uncertain significance (1 of 4 stars; one submission).

Conditions:
Spinocerebellar ataxia type 19/22 (SCA19). Also called: SPINOCEREBELLAR ATAXIA 19; SPINOCEREBELLAR ATAXIA 22. Identifiers: Orphanet 98772, MedGen C1846367, MONDO:0011819, OMIM 607346.

Submission:

Labcorp Genetics (formerly Invitae), Labcorp
Classification: Uncertain significance for Spinocerebellar ataxia type 19/22. Last evaluated: 2024-04-30. Review status: criteria provided, single submitter. Criteria: Invitae Variant Classification Sherloc (09022015). Collection method: clinical testing. Allele origin: germline.
Comment: This sequence change replaces threonine, which is neutral and polar, with isoleucine, which is neutral and non-polar, at codon 435 of the KCND3 protein (p.Thr435Ile). This variant is not present in population databases (gnomAD no frequency). This variant has not been reported in the literature in individuals affected with KCND3-related conditions. Advanced modeling of protein sequence and biophysical properties (such as structural, functional, and spatial information, amino acid conservation, physicochemical variation, residue mobility, and thermodynamic stability) performed at Invitae indicates that this missense variant is not expected to disrupt KCND3 protein function with a negative predictive value of 80%. In summary, the available evidence is currently insufficient to determine the role of this variant in disease. Therefore, it has been classified as a Variant of Uncertain Significance.